The following is an entry in ClinVar:

ClinVar aggregate classification (germline): Uncertain significance (1 of 4 stars; one submission).

Submission:

Labcorp Genetics (formerly Invitae), Labcorp
Classification: Uncertain significance. Last evaluated: 2022-04-21. Review status: criteria provided, single submitter. Criteria: Invitae Variant Classification Sherloc (09022015). Collection method: clinical testing. Allele origin: germline.
Comment: This sequence change replaces glycine, which is neutral and non-polar, with arginine, which is basic and polar, at codon 1353 of the COL7A1 protein (p.Gly1353Arg). This variant is not present in population databases (gnomAD no frequency). This variant has not been reported in the literature in individuals affected with COL7A1-related conditions. Advanced modeling of protein sequence and biophysical properties (such as structural, functional, and spatial information, amino acid conservation, physicochemical variation, residue mobility, and thermodynamic stability) performed at Invitae indicates that this missense variant is expected to disrupt COL7A1 protein function. In summary, the available evidence is currently insufficient to determine the role of this variant in disease. Therefore, it has been classified as a Variant of Uncertain Significance.

NM_000094.4(COL7A1):c.4057G>C (p.Gly1353Arg)

Gene: COL7A1 (collagen type VII alpha 1 chain; minus strand). Cytogenetic location: 3p21.31.
Variant type: single nucleotide variant.
Coding change: c.4057G>C on transcript NM_000094.4 (MANE Select); coding-DNA position 4057, G replaced by C.
Protein change: p.Gly1353Arg; replaces glycine 1353 with arginine.
Molecular consequence: missense variant.
Genome position (GRCh38, 1-based): chr3:48,584,547, C>G on the plus strand (G>C on the coding strand, the complement: COL7A1 is on the minus strand). VCF-style: chr3-48584547-C-G. GRCh37 (hg19) VCF-style: chr3-48621980-C-G.
Other names: short protein forms G1353R.
Identifiers: ClinVar variation 2414754 (VCV002414754.3), dbSNP rs149361101, ClinGen allele CA352696167.